The following is an entry in ClinVar:

ClinVar aggregate classification (germline): Benign. Review status: criteria provided, multiple submitters, no conflicts (2 of 4 stars). 3 submissions from 3 submitters: Benign (2). 1 of the submissions does not count toward it. Last evaluated 2026-02-03.

Conditions:
MESP1-related disorder. Also called: MESP1-related condition.

Allele frequency attached by ClinVar (database versions not stated): 1000 Genomes Project 0.26737; gnomAD exomes 0.27273 and 0.04478; gnomAD 0.29158 and 0.29665; ExAC 0.13661; 1000 Genomes Project 30x 0.27577; TOPMed 0.29398.
gnomAD v4.1: 357,770 of 1,302,904 alleles (27%); highest among the groups gnomAD compares: African/African-American, 39%; 51,264 homozygotes.

Submissions (3):

Labcorp Genetics (formerly Invitae), Labcorp
Classification: Benign. Last evaluated: 2026-02-03. Review status: criteria provided, single submitter. Criteria: Invitae Variant Classification Sherloc (09022015). Collection method: clinical testing. Allele origin: germline.

Breakthrough Genomics
Classification: Benign. Review status: criteria provided, single submitter. Criteria: ACMG Guidelines, 2015. Collection method: not provided. Allele origin: germline. Inheritance: Unknown mechanism. Affected: yes.

PreventionGenetics, part of Exact Sciences
Classification: Benign for MESP1-related condition. Last evaluated: 2019-11-11. Review status: no assertion criteria provided. Collection method: clinical testing. Allele origin: germline. Not counted in ClinVar's aggregate classification.
Comment: This variant is classified as benign based on ACMG/AMP sequence variant interpretation guidelines (Richards et al. 2015 PMID: 25741868, with internal and published modifications).

NM_018670.4(MESP1):c.174A>C (p.Pro58=)

Genes: MESP1 (mesoderm posterior bHLH transcription factor 1; minus strand), LOC130057889 (ATAC-STARR-seq lymphoblastoid silent region 6804; plus strand). Cytogenetic location: 15q26.1.
Variant type: single nucleotide variant.
Coding change: c.174A>C on transcript NM_018670.4 (MANE Select); coding-DNA position 174, A replaced by C.
Protein change: p.Pro58=; no amino-acid change (proline 58 retained).
Molecular consequence: synonymous variant.
Genome position (GRCh38, 1-based): chr15:89,751,058, T>G on the plus strand (A>C on the coding strand, the complement: MESP1 is on the minus strand). VCF-style: chr15-89751058-T-G. GRCh37 (hg19) VCF-style: chr15-90294289-T-G.
Other names: c.174A>C (NM_018670.3).
Identifiers: ClinVar variation 1600319 (VCV001600319.11), dbSNP rs28377352, ClinGen allele CA7730284.